The following is an entry in ClinVar:

ClinVar aggregate classification (germline): Uncertain significance. Review status: criteria provided, multiple submitters, no conflicts (2 of 4 stars). 2 submissions from 2 submitters: Uncertain significance (2). Last evaluated 2025-08-04.

Conditions:
Inborn genetic diseases. Identifiers: MedGen C0950123, MeSH D030342.

Allele frequency attached by ClinVar (database versions not stated): gnomAD 0.00008; gnomAD exomes 0.00009; TOPMed 0.00004; ExAC 0.00005.
gnomAD v4.1: 147 of 1,613,550 alleles (0.0091%); highest among the groups gnomAD compares: East Asian, 0.018%; no homozygotes.

Submissions (2):

Labcorp Genetics (formerly Invitae), Labcorp
Classification: Uncertain significance. Last evaluated: 2025-08-04. Review status: criteria provided, single submitter. Criteria: Invitae Variant Classification Sherloc (09022015). Collection method: clinical testing. Allele origin: germline.
Comment: This sequence change replaces arginine, which is basic and polar, with glutamine, which is neutral and polar, at codon 2501 of the ANK3 protein (p.Arg2501Gln). This variant is present in population databases (rs773937543, gnomAD 0.05%). This variant has not been reported in the literature in individuals affected with ANK3-related conditions. ClinVar contains an entry for this variant (Variation ID: 2361027). An algorithm developed to predict the effect of missense changes on protein structure and function (PolyPhen-2) suggests that this variant is likely to be tolerated. In summary, the available evidence is currently insufficient to determine the role of this variant in disease. Therefore, it has been classified as a Variant of Uncertain Significance.

Ambry Genetics
Classification: Uncertain significance for Inborn genetic diseases. Last evaluated: 2021-09-16. Review status: criteria provided, single submitter. Criteria: Ambry Variant Classification Scheme 2023. Collection method: clinical testing. Allele origin: germline.

NM_020987.5(ANK3):c.7502G>A (p.Arg2501Gln)

Gene: ANK3 (ankyrin 3; minus strand). Cytogenetic location: 10q21.2.
Variant type: single nucleotide variant.
Coding change: c.7502G>A on transcript NM_020987.5 (MANE Select); coding-DNA position 7502, G replaced by A.
Protein change: p.Arg2501Gln; replaces arginine 2501 with glutamine.
Molecular consequence: missense variant. On other transcripts: intron variant (4).
Genome position (GRCh38, 1-based): chr10:60,073,379, C>T on the plus strand (G>A on the coding strand, the complement: ANK3 is on the minus strand). VCF-style: chr10-60073379-C-T. GRCh37 (hg19) VCF-style: chr10-61833137-C-T.
Other names: c.4388-5370G>A (NM_001204403.2); c.4409-5370G>A (NM_001204404.2); c.4406-5370G>A (NM_001320874.2); c.1808-5370G>A (NM_001149.4); short protein forms R2501Q.
Identifiers: ClinVar variation 2361027 (VCV002361027.5), dbSNP rs773937543, ClinGen allele CA5511696.